The following is an entry in ClinVar:

ClinVar aggregate classification (germline): Uncertain significance (1 of 4 stars; one submission).

Submission:

GeneDx
Classification: Uncertain significance. Last evaluated: 2025-05-12. Review status: criteria provided, single submitter. Criteria: GeneDx Variant Classification Process June 2021. Collection method: clinical testing. Allele origin: germline. Affected: yes.
Comment: Not observed at significant frequency in large population cohorts (gnomAD); In silico analysis suggests that this missense variant does not alter protein structure/function; Has not been previously published as pathogenic or benign to our knowledge

NM_016138.5(COQ7):c.104G>C (p.Arg35Pro)

Gene: COQ7 (coenzyme Q7, hydroxylase; plus strand). Cytogenetic location: 16p12.3.
Variant type: single nucleotide variant.
Coding change: c.104G>C on transcript NM_016138.5 (MANE Select); coding-DNA position 104, G replaced by C.
Protein change: p.Arg35Pro; replaces arginine 35 with proline.
Molecular consequence: missense variant. On other transcripts: 5 prime UTR variant (5), non-coding transcript variant (3).
Genome position (GRCh38, 1-based): chr16:19,071,958, G>C. VCF-style: chr16-19071958-G-C. GRCh37 (hg19) VCF-style: chr16-19083280-G-C.
Other names: c.-11G>C (NM_001190983.2, NM_001370492.1, NM_001370493.1 and 2 more transcripts); c.62G>C, p.Arg21Pro (NM_001370489.1, NM_001370491.1); c.104G>C, p.Arg35Pro (NM_001370490.1); short protein forms R21P, R35P.
Identifiers: ClinVar variation 4529893 (VCV004529893.1).
Genomic context (GRCh38, chr16:19,071,958, plus strand): 5'-CATAACGAAGAATAAACACTTGCATTTCAGCTTATGGAAGAAGAACCAGTGTCAGATTTC[G>C]CAGTTCAGGAATGACTTTAGACAATATCAGTCGGGCAGCTGTGGATCGAATAATCCGGGT-3'
Protein context (NP_057222.2, residues 25-45): AYGRRTSVRF[Arg35Pro]SSGMTLDNIS